The following is an entry in ClinVar:

ClinVar aggregate classification (germline): Likely pathogenic (1 of 4 stars; one submission).

Conditions:
Sponastrime dysplasia. Also called: SPONDYLAR AND NASAL ALTERATIONS WITH STRIATED METAPHYSES. Identifiers: Orphanet 93357, MedGen C1300260, MONDO:0010068, OMIM 271510.

Submission:

Laboratorio de Biologia Molecular/Medicina Genomica - IFF/Fiocruz, Instituto Fernandes Figueira, Fundacao Oswaldo Cruz
Classification: Likely pathogenic for Sponastrime dysplasia. Last evaluated: 2025-09-02. Review status: criteria provided, single submitter. Criteria: ACMG Guidelines, 2015. Collection method: clinical testing. Allele origin: maternal. Affected: yes. Observed: 1 variant allele.
Comment: Variant: c.1890+2T>G in intron 15 of the TONSL gene. Protein effect: Splicing donor substitution at highly conserved residue. In silico tools: predict altered mRNA splicing due to loss of the splice donor site. Population database (gnomAD): Absent. Segregation/phase data: Internal analysis, without confirmation of phase, identified this variant in trans with a variant of uncertain significance (Accession: VCV002282249.2). ACMG/AMP criteria applied: PVS1, PM2_Supporting.

NM_013432.5(TONSL):c.1890+2T>G

Genes: TONSL (tonsoku like, DNA repair protein; minus strand), TONSL-AS1 (TONSL antisense RNA 1; plus strand). Cytogenetic location: 8q24.3.
Variant type: single nucleotide variant.
Coding change: c.1890+2T>G on transcript NM_013432.5 (MANE Select); the canonical splice donor site of the intron after coding-DNA position 1890, T replaced by G.
Molecular consequence: splice donor variant. On other transcripts: non-coding transcript variant (1).
Genome position (GRCh38, 1-based): chr8:144,436,755, A>C on the plus strand (T>G on the coding strand, the complement: TONSL is on the minus strand). VCF-style: chr8-144436755-A-C. GRCh37 (hg19) VCF-style: chr8-145662138-A-C.
Identifiers: ClinVar variation 4795180 (VCV004795180.1).